The following is an entry in ClinVar:

ClinVar aggregate classification (germline): Likely benign. Review status: criteria provided, multiple submitters, no conflicts (2 of 4 stars). 4 submissions from 4 submitters: Likely benign (3). 1 of the submissions does not count toward it. Last evaluated 2021-09-13.

Conditions:
Rotor syndrome (HBLRR). Also called: HYPERBILIRUBINEMIA, ROTOR TYPE, DIGENIC; HYPERBILIRUBINEMIA, ROTOR TYPE. Identifiers: Orphanet 3111, MedGen C0220991, MONDO:0009379, OMIM 237450.
SLCO1B3-related disorder. Also called: SLCO1B3-related condition.

Allele frequency attached by ClinVar (database versions not stated): ESP Exome Variant Server 0.00031; TOPMed 0.00040; 1000 Genomes Project 30x 0.00094; 1000 Genomes Project 0.00120.
gnomAD v4.1: 658 of 1,612,002 alleles (0.041%); highest among the groups gnomAD compares: South Asian, 0.26%; 4 homozygotes.

Submissions (4):

ARUP Laboratories, Molecular Genetics and Genomics, ARUP Laboratories
Classification: Likely benign for Rotor syndrome. Last evaluated: 2021-09-13. Review status: criteria provided, single submitter. Criteria: ARUP Molecular Germline Variant Investigation Process 2021. Collection method: clinical testing. Allele origin: germline.

Illumina Laboratory Services, Illumina
Classification: Likely benign for Rotor syndrome. Last evaluated: 2018-01-13. Review status: criteria provided, single submitter. Criteria: ICSL Variant Classification Criteria 13 December 2019. Collection method: clinical testing. Allele origin: germline.
Comment: This variant was observed in the ICSL laboratory as part of a predisposition screen in an ostensibly healthy population. It had not been previously curated by ICSL or reported in the Human Gene Mutation Database (HGMD: prior to June 1st, 2018), and was therefore a candidate for classification through an automated scoring system. Utilizing variant allele frequency, disease prevalence and penetrance estimates, and inheritance mode, an automated score was calculated to assess if this variant is too frequent to cause the disease. Based on the score and internal cut-off values, a variant classified as likely benign is not then subjected to further curation. The score for this variant resulted in a classification of likely benign for this disease.

Breakthrough Genomics
Classification: Likely benign. Review status: criteria provided, single submitter. Criteria: ACMG Guidelines, 2015. Collection method: not provided. Allele origin: germline. Inheritance: Autosomal recessive inheritance. Affected: yes.

PreventionGenetics, part of Exact Sciences
Classification: Likely benign for SLCO1B3-related condition. Last evaluated: 2024-09-06. Review status: no assertion criteria provided. Collection method: clinical testing. Allele origin: germline. Not counted in ClinVar's aggregate classification.
Comment: This variant is classified as likely benign based on ACMG/AMP sequence variant interpretation guidelines (Richards et al. 2015 PMID: 25741868, with internal and published modifications).

NM_019844.4(SLCO1B3):c.1241C>T (p.Thr414Ile)

Genes: SLCO1B3 (solute carrier organic anion transporter family member 1B3; plus strand), SLCO1B3-SLCO1B7 (SLCO1B3-SLCO1B7 readthrough; plus strand). Cytogenetic location: 12p12.2.
Variant type: single nucleotide variant.
Coding change: c.1241C>T on transcript NM_019844.4 (MANE Select); coding-DNA position 1241, C replaced by T.
Protein change: p.Thr414Ile; replaces threonine 414 with isoleucine.
Molecular consequence: missense variant.
Genome position (GRCh38, 1-based): chr12:20,879,541, C>T. VCF-style: chr12-20879541-C-T. GRCh37 (hg19) VCF-style: chr12-21032475-C-T.
Other names: c.1157C>T, p.Thr386Ile (NM_001349920.2); short protein forms T414I, T386I.
Identifiers: ClinVar variation 307901 (VCV000307901.13), dbSNP rs146940490, ClinGen allele CA6475499.
Genomic context (GRCh38, chr12:20,879,541, plus strand): 5'-GATTTATCATTAAAAAATTCAAATTGTCTTTAGTTGGAATTGCCAAATTTTCATTTCTTA[C>T]TTCGATGATATCCTTCTTGTTTCAACTTCTATATTTCCCTCTAATCTGCGAAAGCAAATC-3'
Protein context (NP_062818.1, residues 404-424): LVGIAKFSFL[Thr414Ile]SMISFLFQLL